The following is an entry in ClinVar:

ClinVar aggregate classification (germline): Benign/Likely benign. Review status: criteria provided, multiple submitters, no conflicts (2 of 4 stars). 3 submissions from 2 submitters: Benign (1); Likely benign (2). Last evaluated 2020-11-05.

Conditions:
Congenital myasthenic syndrome (CMS). Also called: Congenital Myasthenic Syndromes. Identifiers: Orphanet 590, MedGen C0751882, MeSH D020294, MONDO:0018940.
Lethal multiple pterygium syndrome (LMPS). Identifiers: Orphanet 33108, MedGen C1854678, MONDO:0009668, OMIM 253290.

Allele frequency attached by ClinVar (database versions not stated): 1000 Genomes Project 0.00519; gnomAD 0.00543 and 0.00579; 1000 Genomes Project 30x 0.00578; TOPMed 0.00588.
gnomAD v4.1: 1,075 of 574,560 alleles (0.19%); highest among the groups gnomAD compares: African/African-American, 1.8%; 14 homozygotes.

Submissions (3):

GeneDx
Classification: Likely benign. Last evaluated: 2020-11-05. Review status: criteria provided, single submitter. Criteria: GeneDx Variant Classification Process June 2021. Collection method: clinical testing. Allele origin: germline. Affected: yes.

Illumina Laboratory Services, Illumina
Classification: Likely benign for Congenital myasthenic syndrome. Last evaluated: 2018-01-12. Review status: criteria provided, single submitter. Criteria: ICSL Variant Classification Criteria 13 December 2019. Collection method: clinical testing. Allele origin: germline.
Comment: This variant was observed in the ICSL laboratory as part of a predisposition screen in an ostensibly healthy population. It had not been previously curated by ICSL or reported in the Human Gene Mutation Database (HGMD: prior to June 1st, 2018), and was therefore a candidate for classification through an automated scoring system. Utilizing variant allele frequency, disease prevalence and penetrance estimates, and inheritance mode, an automated score was calculated to assess if this variant is too frequent to cause the disease. Based on the score and internal cut-off values, a variant classified as likely benign is not then subjected to further curation. The score for this variant resulted in a classification of likely benign for this disease.

Illumina Laboratory Services, Illumina
Classification: Benign for Lethal multiple pterygium syndrome. Last evaluated: 2018-01-12. Review status: criteria provided, single submitter. Criteria: ICSL Variant Classification Criteria 13 December 2019. Collection method: clinical testing. Allele origin: germline.
Comment: This variant was observed in the ICSL laboratory as part of a predisposition screen in an ostensibly healthy population. It had not been previously curated by ICSL or reported in the Human Gene Mutation Database (HGMD: prior to June 1st, 2018), and was therefore a candidate for classification through an automated scoring system. Utilizing variant allele frequency, disease prevalence and penetrance estimates, and inheritance mode, an automated score was calculated to assess if this variant is too frequent to cause the disease. Based on the score and internal cut-off values, a variant classified as benign is not then subjected to further curation. The score for this variant resulted in a classification of benign for this disease.

NM_000079.4(CHRNA1):c.*218C>T

Gene: CHRNA1 (cholinergic receptor nicotinic alpha 1 subunit; minus strand). Cytogenetic location: 2q31.1.
Variant type: single nucleotide variant.
Coding change: c.*218C>T on transcript NM_000079.4 (MANE Select); 218 bases downstream of the stop codon, C replaced by T.
Molecular consequence: 3 prime UTR variant.
Genome position (GRCh38, 1-based): chr2:174,747,906, G>A on the plus strand (C>T on the coding strand, the complement: CHRNA1 is on the minus strand). VCF-style: chr2-174747906-G-A. GRCh37 (hg19) VCF-style: chr2-175612634-G-A.
Other names: c.*218C>T (NM_001039523.3).
Identifiers: ClinVar variation 892689 (VCV000892689.5), dbSNP rs79539026, ClinGen allele CA60846541.